The following is an entry in ClinVar:

ClinVar aggregate classification (germline): Uncertain significance. Review status: criteria provided, multiple submitters, no conflicts (2 of 4 stars). 3 submissions from 3 submitters: Uncertain significance (3). Last evaluated 2024-05-01.

Conditions:
Autosomal recessive ataxia due to ubiquinone deficiency. Also called: SPINOCEREBELLAR ATAXIA, AUTOSOMAL RECESSIVE 9; Coenzyme Q10 deficiency, primary, 4. Identifiers: Orphanet 139485, MedGen C2677589, MONDO:0012784, OMIM 612016.

Allele frequency attached by ClinVar (database versions not stated): TOPMed 0.00001; ExAC 0.00003; gnomAD 0.00003; ESP Exome Variant Server 0.00015.

Submissions (3):

CeGaT Center for Human Genetics Tuebingen
Classification: Uncertain significance. Last evaluated: 2024-05-01. Review status: criteria provided, single submitter. Criteria: CeGaT Center For Human Genetics Tuebingen Variant Classification Criteria Version 2. Collection method: clinical testing. Allele origin: germline. Affected: yes. Observed: 1 variant allele.
Comment: COQ8A: PM2:Supporting

GeneDx
Classification: Uncertain significance. Last evaluated: 2023-08-11. Review status: criteria provided, single submitter. Criteria: GeneDx Variant Classification Process June 2021. Collection method: clinical testing. Allele origin: germline.
Comment: Not observed at significant frequency in large population cohorts (gnomAD); In silico analysis supports that this missense variant does not alter protein structure/function; Has not been previously published as pathogenic or benign to our knowledge

Revvity Omics, Revvity
Classification: Uncertain significance for Autosomal recessive ataxia due to ubiquinone deficiency. Last evaluated: 2019-01-15. Review status: criteria provided, single submitter. Criteria: ACMG Guidelines, 2015. Collection method: clinical testing. Allele origin: germline.

NM_020247.5(COQ8A):c.605G>A (p.Arg202Gln)

Gene: COQ8A (coenzyme Q8A; plus strand). Cytogenetic location: 1q42.13.
Variant type: single nucleotide variant.
Coding change: c.605G>A on transcript NM_020247.5 (MANE Select); coding-DNA position 605, G replaced by A.
Protein change: p.Arg202Gln; replaces arginine 202 with glutamine.
Molecular consequence: missense variant.
Genome position (GRCh38, 1-based): chr1:226,965,687, G>A. VCF-style: chr1-226965687-G-A. GRCh37 (hg19) VCF-style: chr1-227153388-G-A.
Other names: short protein forms R202Q.
Identifiers: ClinVar variation 2438871 (VCV002438871.24), dbSNP rs145350362, ClinGen allele CA1425074.